The following is an entry in ClinVar:

ClinVar aggregate classification (germline): Uncertain significance. Review status: criteria provided, multiple submitters, no conflicts (2 of 4 stars). 3 submissions from 3 submitters: Uncertain significance (3). Last evaluated 2025-11-10.

Conditions:
Hereditary cancer-predisposing syndrome. Also called: Neoplastic Syndromes, Hereditary; Tumor predisposition; Hereditary Cancer Syndrome; Hereditary neoplastic syndrome. Identifiers: Orphanet 140162, MedGen C0027672, MeSH D009386, MONDO:0015356.
Familial adenomatous polyposis 1 (FAP1). Also called: FAMILIAL ADENOMATOUS POLYPOSIS 1, ATTENUATED; POLYPOSIS, ADENOMATOUS INTESTINAL. Identifiers: MedGen C2713442, MONDO:0021056, OMIM 175100. Disease mechanism: loss of function.

Allele frequency attached by ClinVar (database versions not stated): gnomAD exomes below 0.00001; gnomAD 0.00001.
gnomAD v4.1: 4 of 1,614,012 alleles (0.00025%); highest among the groups gnomAD compares: African/African-American, 0.0013%; no homozygotes.

Submissions (3):

Labcorp Genetics (formerly Invitae), Labcorp
Classification: Uncertain significance for Familial adenomatous polyposis 1. Last evaluated: 2025-11-10. Review status: criteria provided, single submitter. Criteria: Invitae Variant Classification Sherloc (09022015). Collection method: clinical testing. Allele origin: germline.
Comment: This sequence change replaces arginine, which is basic and polar, with threonine, which is neutral and polar, at codon 1348 of the APC protein (p.Arg1348Thr). This variant is present in population databases (no rsID available, gnomAD 0.01%). This variant has not been reported in the literature in individuals affected with APC-related conditions. ClinVar contains an entry for this variant (Variation ID: 230499). Invitae Evidence Modeling of protein sequence and biophysical properties (such as structural, functional, and spatial information, amino acid conservation, physicochemical variation, residue mobility, and thermodynamic stability) indicates that this missense variant is not expected to disrupt APC protein function with a negative predictive value of 95%. In summary, the available evidence is currently insufficient to determine the role of this variant in disease. Therefore, it has been classified as a Variant of Uncertain Significance.

Ambry Genetics
Classification: Uncertain significance for Hereditary cancer-predisposing syndrome. Last evaluated: 2024-10-10. Review status: criteria provided, single submitter. Criteria: Ambry Variant Classification Scheme 2023. Collection method: clinical testing. Allele origin: germline.
Comment: The p.R1348T variant (also known as c.4043G>C), located in coding exon 15 of the APC gene, results from a G to C substitution at nucleotide position 4043. The arginine at codon 1348 is replaced by threonine, an amino acid with similar properties. This amino acid position is well conserved in available vertebrate species. Missense alterations in APC are not a common cause of disease (Spier I et al. Genet Med. 2024 Feb;26(2):100992). In addition, in silico predictors for this gene do not accurately predict pathogenicity. Since supporting evidence is limited at this time, the clinical significance of this alteration remains unclear.

Quest Diagnostics Nichols Institute San Juan Capistrano
Classification: Uncertain significance. Last evaluated: 2018-08-28. Review status: criteria provided, single submitter. Criteria: Quest Diagnostics criteria. Collection method: clinical testing. Allele origin: germline.

NM_000038.6(APC):c.4043G>C (p.Arg1348Thr)

Gene: APC (APC regulator of Wnt signaling pathway; plus strand). Cytogenetic location: 5q22.2.
Variant type: single nucleotide variant.
Coding change: c.4043G>C on transcript NM_000038.6 (MANE Select); coding-DNA position 4043, G replaced by C.
Protein change: p.Arg1348Thr; replaces arginine 1348 with threonine.
Molecular consequence: missense variant.
Genome position (GRCh38, 1-based): chr5:112,839,637, G>C. VCF-style: chr5-112839637-G-C. GRCh37 (hg19) VCF-style: chr5-112175334-G-C.
Other names: c.3968G>C, p.Arg1323Thr (NM_001354898.2); c.3959G>C, p.Arg1320Thr (NM_001354899.2); c.3920G>C, p.Arg1307Thr (NM_001354900.2); c.3866G>C, p.Arg1289Thr (NM_001354901.2); c.3770G>C, p.Arg1257Thr (NM_001354902.2); c.3740G>C, p.Arg1247Thr (NM_001354903.2); c.3665G>C, p.Arg1222Thr (NM_001354904.2); c.3563G>C, p.Arg1188Thr (NM_001354905.2); and 5 more; short protein forms R1330T, R1348T, R1247T, R1307T, R1366T, R1222T, R1323T, R1257T.
Identifiers: ClinVar variation 230499 (VCV000230499.16), dbSNP rs876658599, ClinGen allele CA10578365.